The following is an entry in ClinVar:

NM_183337.3(RGS11):c.259C>T (p.Pro87Ser)

Gene: RGS11 (regulator of G protein signaling 11; minus strand). Cytogenetic location: 16p13.3.
Variant type: single nucleotide variant.
Coding change: c.259C>T on transcript NM_183337.3 (MANE Select); coding-DNA position 259, C replaced by T.
Protein change: p.Pro87Ser; replaces proline 87 with serine.
Molecular consequence: missense variant. On other transcripts: intron variant (1).
Genome position (GRCh38, 1-based): chr16:275,035, G>A on the plus strand (C>T on the coding strand, the complement: RGS11 is on the minus strand). VCF-style: chr16-275035-G-A. GRCh37 (hg19) VCF-style: chr16-325035-G-A.
Other names: c.259C>T, p.Pro87Ser (NM_001286485.2); c.196C>T, p.Pro66Ser (NM_003834.3); c.-166+248C>T (NM_001286486.2); short protein forms P66S, P87S.
Identifiers: ClinVar variation 2645776 (VCV002645776.24), dbSNP rs190686593, ClinGen allele CA7772321.
Genomic context (GRCh38, chr16:275,035, plus strand): 5'-CCTGGAACCTGTAGGGCGTCTCGTCTGGCCGGAGCATGAGGCTACGGGGGTCGCGCAGCG[G>A]GTAGATGTAGCCATGCTGCACCAGGACGGCGCCCAGGTGCAGGGCCTCTGGGGAGGGGTG-3'
Protein context (NP_899180.1, residues 77-97): AVLVQHGYIY[Pro87Ser]LRDPRSLMLR

ClinVar aggregate classification (germline): Likely benign (1 of 4 stars; one submission).

Allele frequency attached by ClinVar (database versions not stated): 1000 Genomes Project 0.00280; 1000 Genomes Project 30x 0.00359; ESP Exome Variant Server 0.00360; TOPMed 0.00443; gnomAD 0.00476; ExAC 0.01357.

Submission:

CeGaT Center for Human Genetics Tuebingen
Classification: Likely benign. Last evaluated: 2022-09-01. Review status: criteria provided, single submitter. Criteria: CeGaT Center For Human Genetics Tuebingen Variant Classification Criteria Version 2. Collection method: clinical testing. Allele origin: germline. Affected: yes. Observed: 1 variant allele.
Comment: RGS11: BS2